The following is an entry in ClinVar:

NM_001297.5(CNGB1):c.3693_3697dup (p.Pro1233fs)

Gene: CNGB1 (cyclic nucleotide gated channel subunit beta 1; minus strand). Cytogenetic location: 16q21.
Variant type: Duplication.
Coding change: c.3693_3697dup on transcript NM_001297.5 (MANE Select); coding-DNA positions 3693 to 3697, 5 bases duplicated (GGAGC; older notation c.3693_3697dupGGAGC).
Protein change: p.Pro1233fs; shifts the reading frame from proline 1233.
Molecular consequence: frameshift variant.
Genome position (GRCh38, 1-based): chr16:57,884,223-57,884,227, GCTCC duplicated on the plus strand (GGAGC on the coding strand, the reverse complement: CNGB1 is on the minus strand); duplicating any 5 consecutive bases within chr16:57,884,223-57,884,228 gives the same sequence; the c. name uses the placement nearest the transcript's 3' end. VCF-style (leftmost placement, unchanged base first): chr16-57884222-G-GGCTCC. GRCh37 (hg19) VCF-style: chr16-57918126-G-GGCTCC.
Other names: c.3675_3679dup, p.Pro1227fs (NM_001286130.2); short protein forms P1227fs, P1233fs.
Identifiers: ClinVar variation 4985325 (VCV004985325.1).

ClinVar aggregate classification (germline): Uncertain significance (1 of 4 stars; one submission).

Conditions:
CNGB1-related disorder. Also called: CNGB1-related condition.

Submission:

PreventionGenetics, part of Exact Sciences
Classification: Uncertain significance for CNGB1-related condition. Last evaluated: 2025-06-28. Review status: criteria provided, single submitter. Criteria: ACMG Guidelines, 2015. Collection method: clinical testing. Allele origin: germline.
Comment: The CNGB1 c.3693_3697dup5 variant is predicted to result in a frameshift and premature protein termination (p.Pro1233Argfs*10). To our knowledge, this variant has not been reported in the literature. This variant resides in the final exon of this gene, and it is unclear if the resulting mRNA would undergo nonsense-mediated decay. This variant is reported in 0.0067% of alleles in individuals of African descent in gnomAD. At this time, the clinical significance of this variant is uncertain due to the absence of conclusive functional and genetic evidence.